The following is an entry in ClinVar:

NM_004560.4(ROR2):c.*886G>T

Gene: ROR2 (receptor tyrosine kinase like orphan receptor 2; minus strand). Cytogenetic location: 9q22.31.
Variant type: single nucleotide variant.
Coding change: c.*886G>T on transcript NM_004560.4 (MANE Select); 886 bases downstream of the stop codon, G replaced by T.
Molecular consequence: 3 prime UTR variant.
Genome position (GRCh38, 1-based): chr9:91,722,776, C>A on the plus strand (G>T on the coding strand, the complement: ROR2 is on the minus strand). VCF-style: chr9-91722776-C-A. GRCh37 (hg19) VCF-style: chr9-94485058-C-A.
Identifiers: ClinVar variation 367481 (VCV000367481.5), dbSNP rs114078962, ClinGen allele CA10627637.

ClinVar aggregate classification (germline): Benign. Review status: criteria provided, single submitter (1 of 4 stars). 2 submissions from 1 submitter: Benign (2). Last evaluated 2018-01-12.

Conditions:
Brachydactyly type B1 (BDB1). Identifiers: Orphanet 572385, Orphanet 93383, MedGen C1862112, MONDO:0007220, OMIM 113000.
Autosomal recessive Robinow syndrome (RRS1). Also called: ROBINOW SYNDROME, AUTOSOMAL RECESSIVE 1; COSTOVERTEBRAL SEGMENTATION DEFECT WITH MESOMELIA; COVESDEM SYNDROME; ROR2-Related Robinow Syndrome. Identifiers: Orphanet 1507, Orphanet 97360, MedGen C5399974, MONDO:0009999, OMIM 268310.

Allele frequency attached by ClinVar (database versions not stated): gnomAD 0.00602; TOPMed 0.00739; 1000 Genomes Project 0.00839; 1000 Genomes Project 30x 0.00999.
gnomAD v4.1: 1,540 of 600,982 alleles (0.26%); highest among the groups gnomAD compares: African/African-American, 2.2%; 10 homozygotes.

Submissions (2):

Illumina Laboratory Services, Illumina
Classification: Benign for Autosomal recessive Robinow syndrome. Last evaluated: 2018-01-12. Review status: criteria provided, single submitter. Criteria: ICSL Variant Classification Criteria 13 December 2019. Collection method: clinical testing. Allele origin: germline.
Comment: This variant was observed in the ICSL laboratory as part of a predisposition screen in an ostensibly healthy population. It had not been previously curated by ICSL or reported in the Human Gene Mutation Database (HGMD: prior to June 1st, 2018), and was therefore a candidate for classification through an automated scoring system. Utilizing variant allele frequency, disease prevalence and penetrance estimates, and inheritance mode, an automated score was calculated to assess if this variant is too frequent to cause the disease. Based on the score and internal cut-off values, a variant classified as benign is not then subjected to further curation. The score for this variant resulted in a classification of benign for this disease.

Illumina Laboratory Services, Illumina
Classification: Benign for Brachydactyly type B1. Last evaluated: 2018-01-12. Review status: criteria provided, single submitter. Criteria: ICSL Variant Classification Criteria 13 December 2019. Collection method: clinical testing. Allele origin: germline.
Comment: the same text as in the submission from Illumina Laboratory Services, Illumina above.